The following is an entry in ClinVar:

NM_145045.5(ODAD3):c.1117-1G>C

Gene: ODAD3 (outer dynein arm docking complex subunit 3; minus strand). Cytogenetic location: 19p13.2.
Variant type: single nucleotide variant.
Coding change: c.1117-1G>C on transcript NM_145045.5 (MANE Select); the canonical splice acceptor site of the intron before coding-DNA position 1117, G replaced by C.
Molecular consequence: splice acceptor variant.
Genome position (GRCh38, 1-based): chr19:11,422,862, C>G on the plus strand (G>C on the coding strand, the complement: ODAD3 is on the minus strand). VCF-style: chr19-11422862-C-G. GRCh37 (hg19) VCF-style: chr19-11533530-C-G.
Other names: c.955-1G>C (NM_001302453.1); c.937-1G>C (NM_001302454.2).
Identifiers: ClinVar variation 647642 (VCV000647642.9), dbSNP rs746849797, ClinGen allele CA9212106.
Genomic context (GRCh38, chr19:11,422,862, plus strand): 5'-CTTGAGCGTCTCCAACTGCGCGAAGGTGTCGCCCTGGGCCAGGAACCGCCGCACCAACGA[C>G]TGCGGGCCACCCAGCCCCAGTCAGAGCCAGGGCCTAGGGAGCGTAGGGGCGCTCCACCTC-3'

ClinVar aggregate classification (germline): Likely pathogenic (1 of 4 stars; one submission).

Conditions:
Primary ciliary dyskinesia 30. Also called: CILIARY DYSKINESIA, PRIMARY, 30, WITH OR WITHOUT SITUS INVERSUS. Identifiers: Orphanet 244, MedGen C4015016, MONDO:0014465, OMIM 616037.

Allele frequency attached by ClinVar (database versions not stated): ExAC 0.00001; gnomAD exomes 0.00001; TOPMed 0.00001.
gnomAD v4.1: 3 of 1,601,982 alleles (0.00019%); highest among the groups gnomAD compares: Admixed American, 0.005%; no homozygotes.

Submission:

Labcorp Genetics (formerly Invitae), Labcorp
Classification: Likely pathogenic for Primary ciliary dyskinesia 30. Last evaluated: 2023-12-23. Review status: criteria provided, single submitter. Criteria: Invitae Variant Classification Sherloc (09022015). Collection method: clinical testing. Allele origin: germline.
Comment: This sequence change affects an acceptor splice site in intron 8 of the CCDC151 gene. It is expected to disrupt RNA splicing. Variants that disrupt the donor or acceptor splice site typically lead to a loss of protein function (PMID: 16199547), and loss-of-function variants in CCDC151 are known to be pathogenic (PMID: 25192045). This variant is present in population databases (rs746849797, gnomAD 0.009%). This variant has not been reported in the literature in individuals affected with CCDC151-related conditions. ClinVar contains an entry for this variant (Variation ID: 647642). Algorithms developed to predict the effect of sequence changes on RNA splicing suggest that this variant may disrupt the consensus splice site. In summary, the currently available evidence indicates that the variant is pathogenic, but additional data are needed to prove that conclusively. Therefore, this variant has been classified as Likely Pathogenic.

Literature cited by the submitters: PubMed 16199547; PubMed 25192045.